The following is an entry in ClinVar:

ClinVar aggregate classification (germline): Likely pathogenic. Review status: criteria provided, multiple submitters, no conflicts (2 of 4 stars). 2 submissions from 2 submitters: Likely pathogenic (2). Last evaluated 2025-02-23.

Conditions:
Autosomal dominant vitreoretinochoroidopathy. Also called: VITREORETINOCHOROIDOPATHY WITH MICROCORNEA, GLAUCOMA, AND CATARACT; VITREORETINOCHOROIDOPATHY, AUTOSOMAL DOMINANT, WITH NANOPHTHALMOS; Autosomal Dominant Vitreoretinochoroidopathy (ADVIRC). Identifiers: Orphanet 263347, Orphanet 3086, MedGen C3888099, MONDO:0008662, OMIM 193220.

Submissions (2):

Labcorp Genetics (formerly Invitae), Labcorp
Classification: Likely pathogenic. Last evaluated: 2025-02-23. Review status: criteria provided, single submitter. Criteria: Invitae Variant Classification Sherloc (09022015). Collection method: clinical testing. Allele origin: germline.
Comment: This sequence change replaces aspartic acid, which is acidic and polar, with histidine, which is basic and polar, at codon 228 of the BEST1 protein (p.Asp228His). This variant is not present in population databases (gnomAD no frequency). This missense change has been observed in individual(s) with clinical features of autosomal dominant vitreoretinochoroidopathy (PMID: 25999674; internal data). ClinVar contains an entry for this variant (Variation ID: 852739). Invitae Evidence Modeling of protein sequence and biophysical properties (such as structural, functional, and spatial information, amino acid conservation, physicochemical variation, residue mobility, and thermodynamic stability) indicates that this missense variant is expected to disrupt BEST1 protein function with a positive predictive value of 95%. This variant disrupts the p.Asp228 amino acid residue in BEST1. Other variant(s) that disrupt this residue have been observed in individuals with BEST1-related conditions (PMID: 19853238, 28559085), which suggests that this may be a clinically significant amino acid residue. In summary, the currently available evidence indicates that the variant is pathogenic, but additional data are needed to prove that conclusively. Therefore, this variant has been classified as Likely Pathogenic.

3billion
Classification: Likely pathogenic for Autosomal dominant vitreoretinochoroidopathy. Last evaluated: 2022-05-22. Review status: criteria provided, single submitter. Criteria: ACMG Guidelines, 2015. Collection method: clinical testing. Allele origin: germline. Affected: yes. Observed: 1 heterozygote.
Comment: The variant is not observed in the gnomAD v2.1.1 dataset. The variant is located in a mutational hot spot and/or well-established functional domain in which established pathogenic variants have been reported. Missense changes are a common disease-causing mechanism. In silico tool predictions suggest damaging effect of the variant on gene or gene product (REVEL: 0.99; 3Cnet: 0.99). Same nucleotide change resulting in same amino acid change has been previously reported to be associated with BEST1 related disorder (PMID: 25999674). Different missense changes at the same codon (p.Asp228Asn, p.Asp228Glu) have been reported as pathogenic/likely pathogenic with strong evidence (ClinVar ID: VCV000002748, VCV000522450). Therefore, this variant is classified as likely pathogenic according to the recommendation of ACMG/AMP guideline.

Literature cited by the submitters: PubMed 25999674 (cited by Labcorp Genetics (formerly Invitae), Labcorp and 3billion); PubMed 19853238 (cited by Labcorp Genetics (formerly Invitae), Labcorp); PubMed 28559085 (cited by Labcorp Genetics (formerly Invitae), Labcorp).

NM_004183.4(BEST1):c.682G>C (p.Asp228His)

Gene: BEST1 (bestrophin 1; plus strand). Cytogenetic location: 11q12.3.
Variant type: single nucleotide variant.
Coding change: c.682G>C on transcript NM_004183.4 (MANE Select); coding-DNA position 682, G replaced by C.
Protein change: p.Asp228His; replaces aspartic acid 228 with histidine.
Molecular consequence: missense variant. On other transcripts: non-coding transcript variant (1).
Genome position (GRCh38, 1-based): chr11:61,957,432, G>C. VCF-style: chr11-61957432-G-C. GRCh37 (hg19) VCF-style: chr11-61724904-G-C.
Other names: c.502G>C, p.Asp168His (NM_001139443.3, NM_001300786.2, NM_001300787.2); c.364G>C, p.Asp122His (NM_001363591.3); c.682G>C, p.Asp228His (NM_001363592.2); c.-494G>C (NM_001363593.3); short protein forms D122H, D168H, D228H.
Identifiers: ClinVar variation 852739 (VCV000852739.10), dbSNP rs267606676, ClinGen allele CA380838733.